The following is an entry in ClinVar:

NM_177438.3(DICER1):c.522T>G (p.Phe174Leu)

Gene: DICER1 (dicer 1, ribonuclease III; minus strand). Cytogenetic location: 14q32.13.
Variant type: single nucleotide variant.
Coding change: c.522T>G on transcript NM_177438.3 (MANE Select); coding-DNA position 522, T replaced by G.
Protein change: p.Phe174Leu; replaces phenylalanine 174 with leucine.
Molecular consequence: missense variant.
Genome position (GRCh38, 1-based): chr14:95,130,109, A>C on the plus strand (T>G on the coding strand, the complement: DICER1 is on the minus strand). VCF-style: chr14-95130109-A-C. GRCh37 (hg19) VCF-style: chr14-95596446-A-C.
Other names: c.522T>G (NM_177438.2); c.522T>G, p.Phe174Leu (NM_001195573.1, NM_001271282.3, NM_001291628.2 and 1 more transcripts); short protein forms F174L.
Identifiers: ClinVar variation 1419479 (VCV001419479.11), dbSNP rs1893826509, ClinGen allele CA390888436.
Genomic context (GRCh38, chr14:95,130,109, plus strand): 5'-AAAACTTACCTTCATAATTTCTCGATAGGGGTGGTCTAGGATTGCAAGATGACACTCATC[A>C]AACACCAAAAGGTTAATGTCTGACAGTGATAAGTAACCATTTTTCAAAACATTCAAGGCG-3'
Protein context (NP_803187.1, residues 164-184): LSLSDINLLV[Phe174Leu]DECHLAILDH

ClinVar aggregate classification (germline): Uncertain significance. Review status: criteria provided, multiple submitters, no conflicts (2 of 4 stars). 2 submissions from 2 submitters: Uncertain significance (2). Last evaluated 2026-07-03.

Conditions:
Hereditary cancer-predisposing syndrome. Also called: Hereditary Cancer Syndrome; Neoplastic Syndromes, Hereditary; Hereditary neoplastic syndrome; Tumor predisposition. Identifiers: Orphanet 140162, MedGen C0027672, MeSH D009386, MONDO:0015356.
DICER1-related tumor predisposition. Also called: DICER1 syndrome; DICER1-related pleuropulmonary blastoma cancer predisposition syndrome. Identifiers: Orphanet 284343, MedGen C3839822, MONDO:0100216.

Allele frequency attached by ClinVar (database versions not stated): gnomAD exomes below 0.00001.
gnomAD v4.1: 1 of 1,613,618 alleles (0.000062%); highest among the groups gnomAD compares: African/African-American, 0.0013%; no homozygotes.

Submissions (2):

Ambry Genetics
Classification: Uncertain significance for Hereditary cancer-predisposing syndrome. Last evaluated: 2026-07-03. Review status: criteria provided, single submitter. Criteria: Ambry Variant Classification Scheme 2023. Collection method: clinical testing. Allele origin: germline.

Labcorp Genetics (formerly Invitae), Labcorp
Classification: Uncertain significance for DICER1-related tumor predisposition. Last evaluated: 2020-10-28. Review status: criteria provided, single submitter. Criteria: Invitae Variant Classification Sherloc (09022015). Collection method: clinical testing. Allele origin: germline.
Comment: In summary, the available evidence is currently insufficient to determine the role of this variant in disease. Therefore, it has been classified as a Variant of Uncertain Significance. Algorithms developed to predict the effect of missense changes on protein structure and function are either unavailable or do not agree on the potential impact of this missense change (SIFT: "Tolerated"; PolyPhen-2: "Probably Damaging"; Align-GVGD: "Class C0"). This variant has not been reported in the literature in individuals with DICER1-related conditions. This variant is not present in population databases (ExAC no frequency). This sequence change replaces phenylalanine with leucine at codon 174 of the DICER1 protein (p.Phe174Leu). The phenylalanine residue is highly conserved and there is a small physicochemical difference between phenylalanine and leucine.